The following is an entry in ClinVar:

NM_017802.4(DNAAF5):c.1645G>A (p.Val549Met)

Gene: DNAAF5 (dynein axonemal assembly factor 5; plus strand). Cytogenetic location: 7p22.3.
Variant type: single nucleotide variant.
Coding change: c.1645G>A on transcript NM_017802.4 (MANE Select); coding-DNA position 1645, G replaced by A.
Protein change: p.Val549Met; replaces valine 549 with methionine.
Molecular consequence: missense variant. On other transcripts: non-coding transcript variant (1).
Genome position (GRCh38, 1-based): chr7:763,836, G>A. VCF-style: chr7-763836-G-A. GRCh37 (hg19) VCF-style: chr7-803473-G-A.
Other names: short protein forms V549M.
Identifiers: ClinVar variation 525372 (VCV000525372.6), dbSNP rs746007264, ClinGen allele CA4110808.

ClinVar aggregate classification (germline): Uncertain significance (1 of 4 stars; one submission).

Conditions:
Primary ciliary dyskinesia. Also called: Ciliary dyskinesia. Identifiers: Orphanet 244, MedGen C0008780, MONDO:0016575, HP:0012265.

Allele frequency attached by ClinVar (database versions not stated): ExAC 0.00001; TOPMed 0.00001.
gnomAD v4.1: 5 of 1,613,478 alleles (0.00031%); highest among the groups gnomAD compares: Non-Finnish European, 0.00042%; no homozygotes.

Submission:

Labcorp Genetics (formerly Invitae), Labcorp
Classification: Uncertain significance for Primary ciliary dyskinesia. Last evaluated: 2021-09-01. Review status: criteria provided, single submitter. Criteria: Invitae Variant Classification Sherloc (09022015). Collection method: clinical testing. Allele origin: germline.
Comment: This sequence change replaces valine with methionine at codon 549 of the DNAAF5 protein (p.Val549Met). The valine residue is moderately conserved and there is a small physicochemical difference between valine and methionine. This variant is present in population databases (rs746007264, ExAC 0.002%). This variant has not been reported in the literature in individuals affected with DNAAF5-related conditions. Algorithms developed to predict the effect of missense changes on protein structure and function output the following: SIFT: "Deleterious"; PolyPhen-2: "Benign"; Align-GVGD: "Class C0". The methionine amino acid residue is found in multiple mammalian species, which suggests that this missense change does not adversely affect protein function. In summary, the available evidence is currently insufficient to determine the role of this variant in disease. Therefore, it has been classified as a Variant of Uncertain Significance.